The following is an entry in ClinVar:

ClinVar aggregate classification (germline): Pathogenic. Review status: criteria provided, multiple submitters, no conflicts (2 of 4 stars). 5 submissions from 5 submitters: Pathogenic (5). Last evaluated 2025-09-16.

Conditions:
Cardiovascular phenotype. Identifiers: MedGen CN230736.
BAG3-related disorder. Also called: BAG3-related condition.
Dilated cardiomyopathy 1HH (CMD1HH). Identifiers: Orphanet 154, MedGen C3151293, MONDO:0013479, OMIM 613881.
Myofibrillar myopathy 6. Identifiers: Orphanet 199340, MedGen C2751831, MONDO:0013061, OMIM 612954.

Allele frequency attached by ClinVar (database versions not stated): gnomAD exomes below 0.00001.
gnomAD v4.1: 1 of 1,614,252 alleles (0.000062%); highest among the groups gnomAD compares: Non-Finnish European, 0.000085%; no homozygotes.

Submissions (5):

GeneDx
Classification: Pathogenic. Last evaluated: 2025-09-16. Review status: criteria provided, single submitter. Criteria: GeneDx Variant Classification Process June 2021. Collection method: clinical testing. Allele origin: germline. Affected: yes.
Comment: Not observed at significant frequency in large population cohorts (gnomAD); Nonsense variant predicted to result in protein truncation or nonsense mediated decay in a gene for which loss of function is a known mechanism of disease; This variant is associated with the following publications: (PMID: 25008357, 28436997, 30665703, 21353195, 37461109)

Labcorp Genetics (formerly Invitae), Labcorp
Classification: Pathogenic for Dilated cardiomyopathy 1HH; Myofibrillar myopathy 6. Last evaluated: 2025-07-27. Review status: criteria provided, single submitter. Criteria: Invitae Variant Classification Sherloc (09022015). Collection method: clinical testing. Allele origin: germline.
Comment: This sequence change creates a premature translational stop signal (p.Arg90*) in the BAG3 gene. It is expected to result in an absent or disrupted protein product. Loss-of-function variants in BAG3 are known to be pathogenic (PMID: 21353195, 25008357). This variant is not present in population databases (gnomAD no frequency). This premature translational stop signal has been observed in individual(s) with idiopathic dilated cardiomyopathy (PMID: 21353195, 25008357). ClinVar contains an entry for this variant (Variation ID: 372723). For these reasons, this variant has been classified as Pathogenic.

Ambry Genetics
Classification: Pathogenic for Cardiovascular phenotype. Last evaluated: 2021-12-09. Review status: criteria provided, single submitter. Criteria: Ambry Variant Classification Scheme 2023. Collection method: clinical testing. Allele origin: germline.
Comment: The p.R90* pathogenic mutation (also known as c.268C>T), located in coding exon 2 of the BAG3 gene, results from a C to T substitution at nucleotide position 268. This changes the amino acid from an arginine to a stop codon within coding exon 2. This alteration has been reported in two individuals with dilated cardiomyopathy (Norton N et al. Am J Hum Genet, 2011 Mar;88:273-82; Janin A et al. Clin Genet, 2017 Dec;92:616-623). This variant is considered to be rare based on population cohorts in the Genome Aggregation Database (gnomAD). In addition, this alteration is expected to result in loss of function by premature protein truncation or nonsense-mediated mRNA decay. As such, this alteration is interpreted as a disease-causing mutation.

Fulgent Genetics
Classification: Pathogenic for Myofibrillar myopathy 6; Dilated cardiomyopathy 1HH. Last evaluated: 2021-07-30. Review status: criteria provided, single submitter. Criteria: ACMG Guidelines, 2015. Collection method: clinical testing. Allele origin: unknown.

Blueprint Genetics
Classification: Pathogenic for BAG3-related disorders. Last evaluated: 2020-08-11. Review status: criteria provided, single submitter. Criteria: ACMG Guidelines, 2015. Collection method: clinical testing. Allele origin: germline. Affected: yes. Observed: 1 variant allele.

Literature cited by the submitters: PubMed 21353195 (cited by Labcorp Genetics (formerly Invitae), Labcorp and Ambry Genetics); PubMed 25008357 (cited by Labcorp Genetics (formerly Invitae), Labcorp); PubMed 28436997 (cited by Ambry Genetics).

NM_004281.4(BAG3):c.268C>T (p.Arg90Ter)

Gene: BAG3 (BAG cochaperone 3; plus strand). Cytogenetic location: 10q26.11.
Variant type: single nucleotide variant.
Coding change: c.268C>T on transcript NM_004281.4 (MANE Select); coding-DNA position 268, C replaced by T.
Protein change: p.Arg90Ter; replaces arginine 90 with a stop codon.
Molecular consequence: nonsense.
Genome position (GRCh38, 1-based): chr10:119,669,938, C>T. VCF-style: chr10-119669938-C-T. GRCh37 (hg19) VCF-style: chr10-121429450-C-T.
Other names: short protein forms R90*.
Identifiers: ClinVar variation 372723 (VCV000372723.21), dbSNP rs1057517945, ClinGen allele CA16042712.